The following is an entry in ClinVar:

ClinVar aggregate classification (germline): Uncertain significance. Review status: criteria provided, multiple submitters, no conflicts (2 of 4 stars). 2 submissions from 2 submitters: Uncertain significance (2). Last evaluated 2022-10-13.

Conditions:
Joubert syndrome 17 (JBTS17). Identifiers: Orphanet 475, MedGen C3553264, MONDO:0013824, OMIM 614615.
Orofaciodigital syndrome type 6 (OFD6). Also called: OROFACIODIGITAL SYNDROME VI; OFDS VI; POLYDACTYLY, CLEFT LIP/PALATE OR LINGUAL LUMP, AND PSYCHOMOTOR RETARDATION; VARADI SYNDROME; VARADI-PAPP SYNDROME; Oral-facial-digital syndrome type 6. Identifiers: Orphanet 2754, MedGen C2745997, MONDO:0010176, OMIM 277170.

Allele frequency attached by ClinVar (database versions not stated): gnomAD 0.00001; TOPMed 0.00002; ExAC 0.00003; gnomAD exomes 0.00004.
gnomAD v4.1: 65 of 1,613,358 alleles (0.004%); highest among the groups gnomAD compares: Middle Eastern, 0.099%; no homozygotes.

Submissions (2):

Labcorp Genetics (formerly Invitae), Labcorp
Classification: Uncertain significance. Last evaluated: 2022-10-13. Review status: criteria provided, single submitter. Criteria: Invitae Variant Classification Sherloc (09022015). Collection method: clinical testing. Allele origin: germline.
Comment: This sequence change replaces aspartic acid, which is acidic and polar, with histidine, which is basic and polar, at codon 2890 of the CPLANE1 protein (p.Asp2890His). This variant is present in population databases (rs761880579, gnomAD 0.01%). This variant has not been reported in the literature in individuals affected with CPLANE1-related conditions. ClinVar contains an entry for this variant (Variation ID: 353419). Advanced modeling of protein sequence and biophysical properties (such as structural, functional, and spatial information, amino acid conservation, physicochemical variation, residue mobility, and thermodynamic stability) performed at Invitae indicates that this missense variant is not expected to disrupt CPLANE1 protein function. In summary, the available evidence is currently insufficient to determine the role of this variant in disease. Therefore, it has been classified as a Variant of Uncertain Significance.

Fulgent Genetics
Classification: Uncertain significance for Orofaciodigital syndrome type 6; Joubert syndrome 17. Last evaluated: 2022-05-27. Review status: criteria provided, single submitter. Criteria: ACMG Guidelines, 2015. Collection method: clinical testing. Allele origin: unknown.

NM_001384732.1(CPLANE1):c.8830G>C (p.Asp2944His)

Gene: CPLANE1 (ciliogenesis and planar polarity effector complex subunit 1; minus strand). Cytogenetic location: 5p13.2.
Variant type: single nucleotide variant.
Coding change: c.8830G>C on transcript NM_001384732.1 (MANE Select); coding-DNA position 8830, G replaced by C.
Protein change: p.Asp2944His; replaces aspartic acid 2944 with histidine.
Molecular consequence: missense variant.
Genome position (GRCh38, 1-based): chr5:37,125,372, C>G on the plus strand (G>C on the coding strand, the complement: CPLANE1 is on the minus strand). VCF-style: chr5-37125372-C-G. GRCh37 (hg19) VCF-style: chr5-37125474-C-G.
Other names: c.8668G>C, p.Asp2890His (NM_023073.4); short protein forms D2890H, D2944H.
Identifiers: ClinVar variation 353419 (VCV000353419.9), dbSNP rs761880579, ClinGen allele CA3237643.